The following is an entry in ClinVar:

NM_000719.7(CACNA1C):c.5975G>T (p.Cys1992Phe)

Genes: CACNA1C (calcium voltage-gated channel subunit alpha1 C; plus strand), CACNA1C-AS1 (CACNA1C antisense RNA 1; minus strand). Cytogenetic location: 12p13.33.
Variant type: single nucleotide variant.
Coding change: c.5975G>T on transcript NM_000719.7 (MANE Select); coding-DNA position 5975, G replaced by T.
Protein change: p.Cys1992Phe; replaces cysteine 1992 with phenylalanine.
Molecular consequence: missense variant.
Genome position (GRCh38, 1-based): chr12:2,688,637, G>T. VCF-style: chr12-2688637-G-T. GRCh37 (hg19) VCF-style: chr12-2797803-G-T.
Other names: c.6119G>T, p.Cys2040Phe (NM_001129827.2); c.6098G>T, p.Cys2033Phe (NM_001129829.2); c.6080G>T, p.Cys2027Phe (NM_001129830.3, NM_001167624.3); c.6059G>T, p.Cys2020Phe (NM_001129831.2); c.6035G>T, p.Cys2012Phe (NM_001129832.2); c.6032G>T, p.Cys2011Phe (NM_001129833.2, NM_001129834.2, NM_001129835.2); c.6026G>T, p.Cys2009Phe (NM_001129836.2); c.5999G>T, p.Cys2000Phe (NM_001129837.2, NM_001129838.2); and 6 more; short protein forms C1992F, C2027F, C2040F, C1989F, C1998F, C2009F, C2011F, C2012F.
Identifiers: ClinVar variation 190628 (VCV000190628.21), dbSNP rs375818733, ClinGen allele CA301196.

ClinVar aggregate classification (germline): Conflicting classifications of pathogenicity. Review status: criteria provided, conflicting classifications (1 of 4 stars). 6 submissions from 6 submitters: Uncertain significance (3); Benign (1); Likely benign (2). Last evaluated 2025-12-31.

Conditions:
Cardiovascular phenotype. Identifiers: MedGen CN230736.
Long QT syndrome 8. Identifiers: MedGen CN260585, MONDO:0032756, OMIM 618447.
Brugada syndrome 3 (BRGDA3). Identifiers: Orphanet 130, MedGen C2678478, MONDO:0012742, OMIM 611875.
Timothy syndrome (TS). Also called: LONG QT SYNDROME WITH SYNDACTYLY. Identifiers: Orphanet 65283, MedGen C1832916, MeSH C536962, MONDO:0010979, OMIM 601005.
Long QT syndrome (LQTS). Identifiers: MedGen C0023976, MeSH D008133, MONDO:0002442. Disease mechanism: loss of function. Inheritance: Various modes of inheritance.
Brugada syndrome. Also called: Sudden unexplained nocturnal death syndrome; Sudden unexpected nocturnal death syndrome; Sudden Unexplained Death Syndrome; Sudden Unexplained Nocturnal Death Syndrome (SUNDS). Identifiers: Orphanet 130, MedGen C1142166, MONDO:0015263.

Allele frequency attached by ClinVar (database versions not stated): gnomAD exomes 0.00009; ExAC 0.00010; ESP Exome Variant Server 0.00016; gnomAD 0.00019 and 0.00024; TOPMed 0.00019.
gnomAD v4.1: 58 of 1,613,790 alleles (0.0036%); highest among the groups gnomAD compares: East Asian, 0.042%; 1 homozygote.

Submissions (6):

Labcorp Genetics (formerly Invitae), Labcorp
Classification: Likely benign for Long QT syndrome. Last evaluated: 2025-12-31. Review status: criteria provided, single submitter. Criteria: Invitae Variant Classification Sherloc (09022015). Collection method: clinical testing. Allele origin: germline.

Blueprint Genetics
Classification: Likely benign. Last evaluated: 2023-10-18. Review status: criteria provided, single submitter. Criteria: ACMG Guidelines, 2015. Collection method: clinical testing. Allele origin: germline.

Ambry Genetics
Classification: Benign for Cardiovascular phenotype. Last evaluated: 2022-09-09. Review status: criteria provided, single submitter. Criteria: Ambry Variant Classification Scheme 2023. Collection method: clinical testing. Allele origin: germline.

Fulgent Genetics
Classification: Uncertain significance for Timothy syndrome; Brugada syndrome 3; Long QT syndrome 8. Last evaluated: 2021-11-22. Review status: criteria provided, single submitter. Criteria: ACMG Guidelines, 2015. Collection method: clinical testing. Allele origin: unknown.

ARUP Laboratories, Molecular Genetics and Genomics, ARUP Laboratories
Classification: Uncertain significance. Last evaluated: 2020-06-23. Review status: criteria provided, single submitter. Criteria: ARUP Molecular Germline Variant Investigation Process. Collection method: clinical testing. Allele origin: germline.
Comment: The CACNA1C c.5975G>T; p.Cys1992Phe variant (rs375818733) is reported in the literature in an individual affected with ventricular fibrillation, but without a clear association with disease (Blancard 2018). This variant is reported in ClinVar (Variation ID: 190628), and is found in the general population with an overall allele frequency of 0.011% (30/279868 alleles) in the Genome Aggregation Database. The cysteine at codon 1992 is moderately conserved, and computational analyses (SIFT: damaging, PolyPhen-2: benign) predict conflicting effects of this variant on protein structure/function. Functional analyses of the variant protein show no significant difference compared to wild type (Blancard 2018). However, due to limited information, the clinical significance of the p.Cys1992Phe variant is uncertain at this time. References: Blancard M et al. An African loss-of-function CACNA1C variant p.T1787M associated with a risk of ventricular fibrillation. Sci Rep. 2018;8(1):14619.

Molecular Diagnostic Laboratory for Inherited Cardiovascular Disease, Montreal Heart Institute
Classification: Uncertain significance for Brugada syndrome. Last evaluated: 2017-05-29. Review status: criteria provided, single submitter. Criteria: ACMG Guidelines, 2015. Collection method: clinical testing. Allele origin: germline. Affected: yes.

Literature cited by the submitters: PubMed 25633834 (cited by Ambry Genetics); PubMed 30279520 (cited by Ambry Genetics).